The following is an entry in ClinVar:

ClinVar aggregate classification (germline): Likely benign (0 of 4 stars; one submission).

Conditions:
PLXNA2-related disorder. Also called: PLXNA2-related condition.

gnomAD v4.1: 9 of 1,613,966 alleles (0.00056%); highest among the groups gnomAD compares: Non-Finnish European, 0.00076%; no homozygotes.

Submission:

PreventionGenetics, part of Exact Sciences
Classification: Likely benign for PLXNA2-related condition. Last evaluated: 2022-02-02. Review status: no assertion criteria provided. Collection method: clinical testing. Allele origin: germline.
Comment: This variant is classified as likely benign based on ACMG/AMP sequence variant interpretation guidelines (Richards et al. 2015 PMID: 25741868, with internal and published modifications).

NM_025179.4(PLXNA2):c.2622G>C (p.Thr874=)

Gene: PLXNA2 (plexin A2; minus strand). Cytogenetic location: 1q32.2.
Variant type: single nucleotide variant.
Coding change: c.2622G>C on transcript NM_025179.4 (MANE Select); coding-DNA position 2622, G replaced by C.
Protein change: p.Thr874=; no amino-acid change (threonine 874 retained).
Molecular consequence: synonymous variant.
Genome position (GRCh38, 1-based): chr1:208,060,802, C>G on the plus strand (G>C on the coding strand, the complement: PLXNA2 is on the minus strand). VCF-style: chr1-208060802-C-G. GRCh37 (hg19) VCF-style: chr1-208234147-C-G.
Identifiers: ClinVar variation 3351769 (VCV003351769.1).